The following is an entry in ClinVar:

NM_182914.3(SYNE2):c.9777_9778del (p.Arg3260fs)

Gene: SYNE2 (spectrin repeat containing nuclear envelope protein 2; plus strand). Cytogenetic location: 14q23.2.
Variant type: Microsatellite.
Coding change: c.9777_9778del on transcript NM_182914.3 (MANE Select); coding-DNA positions 9777 to 9778, 2 bases deleted (AC; older notation c.9777_9778delAC).
Protein change: p.Arg3260fs; shifts the reading frame from arginine 3260.
Molecular consequence: frameshift variant.
Genome position (GRCh38, 1-based): chr14:64,055,976-64,055,977, AC deleted; deleting any 2 consecutive bases within chr14:64,055,974-64,055,977 gives the same sequence; the c. name uses the placement nearest the transcript's 3' end. VCF-style (leftmost placement, unchanged base first): chr14-64055973-AAC-A. GRCh37 (hg19) VCF-style: chr14-64522691-AAC-A.
Other names: c.9777_9778del, p.Arg3260fs (NM_015180.6); short protein forms R3260fs.
Identifiers: ClinVar variation 1417575 (VCV001417575.6), dbSNP rs2153580475, ClinGen allele CA2580613694.
Genomic context (GRCh38, chr14:64,055,973, plus strand): 5'-TTGTCACAGCATTTAATCTCCTATTCACTAGAATGTCTTGAATGATGCTTATGAAAATCT[AAC>A]ACGCTATAAAGAAGCAGTCACCAGGGCAGTGGAGAGCATCACTTCCCTCGAAGCCATCAT-3'

ClinVar aggregate classification (germline): Uncertain significance (1 of 4 stars; one submission).

Conditions:
Emery-Dreifuss muscular dystrophy 5, autosomal dominant (EDMD5). Also called: EMERY-DREIFUSS MUSCULAR DYSTROPHY 5. Identifiers: Orphanet 261, MedGen C2751805, MONDO:0013072, OMIM 612999.

Submission:

Labcorp Genetics (formerly Invitae), Labcorp
Classification: Uncertain significance for Emery-Dreifuss muscular dystrophy 5, autosomal dominant. Last evaluated: 2022-09-06. Review status: criteria provided, single submitter. Criteria: Invitae Variant Classification Sherloc (09022015). Collection method: clinical testing. Allele origin: germline.
Comment: In summary, the available evidence is currently insufficient to determine the role of this variant in disease. Therefore, it has been classified as a Variant of Uncertain Significance. This variant has not been reported in the literature in individuals affected with SYNE2-related conditions. This variant is not present in population databases (gnomAD no frequency). This sequence change creates a premature translational stop signal (p.Arg3260Leufs*2) in the SYNE2 gene. It is expected to result in an absent or disrupted protein product. However, the current clinical and genetic evidence is not sufficient to establish whether loss-of-function variants in SYNE2 cause disease.